The following is an entry in ClinVar:

ClinVar aggregate classification (germline): Likely benign (1 of 4 stars; one submission).

Allele frequency attached by ClinVar (database versions not stated): gnomAD 0.00600.

Submission:

CeGaT Center for Human Genetics Tuebingen
Classification: Likely benign. Last evaluated: 2023-08-01. Review status: criteria provided, single submitter. Criteria: CeGaT Center For Human Genetics Tuebingen Variant Classification Criteria Version 2. Collection method: clinical testing. Allele origin: germline. Affected: yes. Observed: 1 variant allele.
Comment: SLFN13: BP4, BP7

NM_144682.6(SLFN13):c.1494A>G (p.Leu498=)

Gene: SLFN13 (schlafen family member 13; minus strand). Cytogenetic location: 17q12.
Variant type: single nucleotide variant.
Coding change: c.1494A>G on transcript NM_144682.6 (MANE Select); coding-DNA position 1494, A replaced by G.
Protein change: p.Leu498=; no amino-acid change (leucine 498 retained).
Molecular consequence: synonymous variant.
Genome position (GRCh38, 1-based): chr17:35,441,991, T>C on the plus strand (A>G on the coding strand, the complement: SLFN13 is on the minus strand). VCF-style: chr17-35441991-T-C. GRCh37 (hg19) VCF-style: chr17-33769010-T-C.
Identifiers: ClinVar variation 2647668 (VCV002647668.24), dbSNP rs112473055, ClinGen allele CA8503758.